The following is an entry in ClinVar:

NM_024608.4(NEIL1):c.921T>G (p.Pro307=)

Gene: NEIL1 (nei like DNA glycosylase 1; plus strand). Cytogenetic location: 15q24.2.
Variant type: single nucleotide variant.
Coding change: c.921T>G on transcript NM_024608.4 (MANE Select); coding-DNA position 921, T replaced by G.
Protein change: p.Pro307=; no amino-acid change (proline 307 retained).
Molecular consequence: synonymous variant. On other transcripts: non-coding transcript variant (1).
Genome position (GRCh38, 1-based): chr15:75,354,477, T>G. VCF-style: chr15-75354477-T-G. GRCh37 (hg19) VCF-style: chr15-75646818-T-G.
Other names: c.1179T>G, p.Pro393= (NM_001256552.1); c.615T>G, p.Pro205= (NM_001352520.2).
Identifiers: ClinVar variation 3040299 (VCV003040299.2), dbSNP rs1443035018, ClinGen allele CA491495475.

ClinVar aggregate classification (germline): Likely benign (0 of 4 stars; one submission).

Conditions:
NEIL1-related disorder. Also called: NEIL1-related condition.

Allele frequency attached by ClinVar (database versions not stated): gnomAD 0.00002; TOPMed 0.00002.

Submission:

PreventionGenetics, part of Exact Sciences
Classification: Likely benign for NEIL1-related condition. Last evaluated: 2019-09-19. Review status: no assertion criteria provided. Collection method: clinical testing. Allele origin: germline.
Comment: This variant is classified as likely benign based on ACMG/AMP sequence variant interpretation guidelines (Richards et al. 2015 PMID: 25741868, with internal and published modifications).